The following is an entry in ClinVar:

NM_000391.4(TPP1):c.1540G>T (p.Gly514Ter)

Gene: TPP1 (tripeptidyl peptidase 1; minus strand). Cytogenetic location: 11p15.4.
Variant type: single nucleotide variant.
Coding change: c.1540G>T on transcript NM_000391.4 (MANE Select); coding-DNA position 1540, G replaced by T.
Protein change: p.Gly514Ter; replaces glycine 514 with a stop codon.
Molecular consequence: nonsense.
Genome position (GRCh38, 1-based): chr11:6,614,877, C>A on the plus strand (G>T on the coding strand, the complement: TPP1 is on the minus strand). VCF-style: chr11-6614877-C-A. GRCh37 (hg19) VCF-style: chr11-6636108-C-A.
Other names: short protein forms G514*.
Identifiers: ClinVar variation 1386990 (VCV001386990.6), dbSNP rs2134590841, ClinGen allele CA379472262.

ClinVar aggregate classification (germline): Pathogenic (1 of 4 stars; one submission).

Submission:

Labcorp Genetics (formerly Invitae), Labcorp
Classification: Pathogenic. Last evaluated: 2024-11-18. Review status: criteria provided, single submitter. Criteria: Invitae Variant Classification Sherloc (09022015). Collection method: clinical testing. Allele origin: germline.
Comment: This sequence change creates a premature translational stop signal (p.Gly514*) in the TPP1 gene. While this is not anticipated to result in nonsense mediated decay, it is expected to disrupt the last 50 amino acid(s) of the TPP1 protein. This variant is not present in population databases (gnomAD no frequency). This variant has not been reported in the literature in individuals affected with TPP1-related conditions. ClinVar contains an entry for this variant (Variation ID: 1386990). This variant disrupts a region of the TPP1 protein in which other variant(s) (p.Trp542*) have been determined to be pathogenic (PMID: 31283065; internal data). This suggests that this is a clinically significant region of the protein, and that variants that disrupt it are likely to be disease-causing. For these reasons, this variant has been classified as Pathogenic.

Literature cited by the submitters: PubMed 31283065.